The following is an entry in ClinVar:

NM_013275.6(ANKRD11):c.4814T>G (p.Met1605Arg)

Gene: ANKRD11 (ankyrin repeat domain 11; minus strand). Cytogenetic location: 16q24.3.
Variant type: single nucleotide variant.
Coding change: c.4814T>G on transcript NM_013275.6 (MANE Select); coding-DNA position 4814, T replaced by G.
Protein change: p.Met1605Arg; replaces methionine 1605 with arginine.
Molecular consequence: missense variant.
Genome position (GRCh38, 1-based): chr16:89,281,728, A>C on the plus strand (T>G on the coding strand, the complement: ANKRD11 is on the minus strand). VCF-style: chr16-89281728-A-C. GRCh37 (hg19) VCF-style: chr16-89348136-A-C.
Other names: c.4814T>G, p.Met1605Arg (NM_001256182.2, NM_001256183.2); short protein forms M1605R.
Identifiers: ClinVar variation 3897314 (VCV003897314.3).

ClinVar aggregate classification (germline): Uncertain significance. Review status: criteria provided, multiple submitters, no conflicts (2 of 4 stars). 2 submissions from 2 submitters: Uncertain significance (2). Last evaluated 2025-03-06.

Submissions (2):

Dasa
Classification: Uncertain significance. Last evaluated: 2025-03-06. Review status: criteria provided, single submitter. Criteria: DASA Assertion Criteria. Collection method: clinical testing. Allele origin: germline.
Comment: NM_013275.6(ANKRD11):c.4814T>G (p.Met1605Arg) is a missense variant that results in the substitution of methionine with arginine. This variant is absent from population databases. Computational prediction algorithms are consistent with a benign effect. The currently available literature and clinical evidence are not sufficient to establish a definitive association between this variant and the reported condition. Therefore, this variant is classified as a variant of uncertain significance.

GeneDx
Classification: Uncertain significance. Last evaluated: 2024-11-04. Review status: criteria provided, single submitter. Criteria: GeneDx Variant Classification Process June 2021. Collection method: clinical testing. Allele origin: germline. Affected: yes.
Comment: Not observed at significant frequency in large population cohorts (gnomAD); In silico analysis supports that this missense variant has a deleterious effect on protein structure/function; Has not been previously published as pathogenic or benign to our knowledge